The following is an entry in ClinVar:

ClinVar aggregate classification (germline): Conflicting classifications of pathogenicity. Review status: criteria provided, conflicting classifications (1 of 4 stars). 7 submissions from 6 submitters: Uncertain significance (6); Likely benign (1). Last evaluated 2025-11-30.

Conditions:
Hereditary cancer-predisposing syndrome. Also called: Neoplastic Syndromes, Hereditary; Hereditary Cancer Syndrome; Tumor predisposition; Hereditary neoplastic syndrome. Identifiers: Orphanet 140162, MedGen C0027672, MeSH D009386, MONDO:0015356.
Cardiovascular phenotype. Identifiers: MedGen CN230736.
Neurofibromatosis, type 1 (NF1). Also called: Peripheral type neurofibromatosis; Neurofibromatosis, type I; VON RECKLINGHAUSEN DISEASE; NEUROFIBROMATOSIS, TYPE I, SOMATIC. Identifiers: Orphanet 636, MedGen C0027831, MONDO:0018975, OMIM 162200. Disease mechanism: loss of function.
Juvenile myelomonocytic leukemia (JMML). Also called: LEUKEMIA, JUVENILE MYELOMONOCYTIC, SOMATIC. Identifiers: Orphanet 86834, MedGen C0349639, MONDO:0011908, OMIM 607785, HP:0012209.
Neurofibromatosis-Noonan syndrome (NFNS). Also called: NEUROFIBROMATOSIS WITH NOONAN PHENOTYPE. Identifiers: Orphanet 638, MedGen C2931482, MONDO:0011035, OMIM 601321. Disease mechanism: loss of function.
Café-au-lait macules with pulmonary stenosis (WTSN). Also called: PULMONIC STENOSIS WITH CAFE-AU-LAIT SPOTS. Identifiers: MedGen C0553586, MONDO:0008672, OMIM 193520.
Neurofibromatosis, familial spinal (FSNF). Identifiers: Orphanet 636, MedGen C1834235, MONDO:0008078, OMIM 162210. Disease mechanism: loss of function.

Allele frequency attached by ClinVar (database versions not stated): gnomAD exomes below 0.00001 and 0.00001; TOPMed below 0.00001; ESP Exome Variant Server 0.00008.
gnomAD v4.1: 14 of 1,614,106 alleles (0.00087%); highest among the groups gnomAD compares: Non-Finnish European, 0.0012%; no homozygotes.

Submissions (7):

Labcorp Genetics (formerly Invitae), Labcorp
Classification: Likely benign for Neurofibromatosis, type 1. Last evaluated: 2025-11-30. Review status: criteria provided, single submitter. Criteria: Invitae Variant Classification Sherloc (09022015). Collection method: clinical testing. Allele origin: germline.

Fulgent Genetics
Classification: Uncertain significance for Neurofibromatosis, type 1; Neurofibromatosis, familial spinal; Café-au-lait macules with pulmonary stenosis; Neurofibromatosis-Noonan syndrome; Juvenile myelomonocytic leukemia. Last evaluated: 2024-05-07. Review status: criteria provided, single submitter. Criteria: ACMG Guidelines, 2015. Collection method: clinical testing. Allele origin: germline.

Genome-Nilou Lab
Classification: Uncertain significance for Neurofibromatosis, type 1. Last evaluated: 2022-03-15. Review status: criteria provided, single submitter. Criteria: ACMG Guidelines, 2015. Collection method: clinical testing. Allele origin: germline. Affected: no.

Ambry Genetics
Classification: Uncertain significance for Cardiovascular phenotype; Hereditary cancer-predisposing syndrome. Last evaluated: 2021-10-14. Review status: criteria provided, single submitter. Criteria: Ambry Variant Classification Scheme 2023. Collection method: clinical testing. Allele origin: germline.

Blueprint Genetics
Classification: Uncertain significance. Last evaluated: 2021-05-04. Review status: criteria provided, single submitter. Criteria: ACMG Guidelines, 2015. Collection method: clinical testing. Allele origin: germline.

Genome Diagnostics Laboratory, The Hospital for Sick Children
Classification: Uncertain significance for Neurofibromatosis, type 1. Last evaluated: 2020-10-26. Review status: criteria provided, single submitter. Criteria: ACMG Guidelines, 2015. Collection method: clinical testing. Allele origin: germline. Affected: yes.

Ambry Genetics
Classification: Uncertain significance for Hereditary cancer-predisposing syndrome. Last evaluated: 2015-07-07. Review status: criteria provided, single submitter. Criteria: Ambry Autosomal Dominant and X-Linked criteria (10/2015). Collection method: clinical testing. Allele origin: germline. Observed: 1 variant allele.
Comment: The p.T2196A variant (also known as c.6586A>G), located in coding exon 43 of the NF1 gene, results from an A to G substitution at nucleotide position 6586. The threonine at codon 2196 is replaced by alanine, an amino acid with similar properties. This variant was previously reported in the SNPDatabase as rs372169109. Based on data from the NHLBI Exome Sequencing Project (ESP), the G allele has an overall frequency of approximately 0.01% (1/13006) total alleles studied and 0.01% (1/8600) European American alleles. This variant was not reported in the 1000 Genomes Project population-based cohort.To date, this alteration has been detected with an allele frequency of approximately 0.002% (greater than 55,000 alleles tested) in our clinical cohort.This amino acid position is highly conserved in available vertebrate species. In addition, the in silico prediction for this alteration is inconclusive.<span style="font-family:arial,sans-serif; font-size:9pt">Since supporting evidence is limited at this time, the clinical significance of p.T2196A<span style="font-family:arial,sans-serif; font-size:9pt"> remains unclear.

NM_001042492.3(NF1):c.6586A>G (p.Thr2196Ala)

Gene: NF1 (neurofibromin 1; plus strand). Cytogenetic location: 17q11.2.
Variant type: single nucleotide variant.
Coding change: c.6586A>G on transcript NM_001042492.3 (MANE Select); coding-DNA position 6586, A replaced by G.
Protein change: p.Thr2196Ala; replaces threonine 2196 with alanine.
Molecular consequence: missense variant.
Genome position (GRCh38, 1-based): chr17:31,337,526, A>G. VCF-style: chr17-31337526-A-G. GRCh37 (hg19) VCF-style: chr17-29664544-A-G.
Other names: c.6523A>G, p.Thr2175Ala (NM_000267.4); short protein forms T2175A, T2196A.
Identifiers: ClinVar variation 232814 (VCV000232814.18), dbSNP rs372169109, ClinGen allele CA10580381.